The following is an entry in ClinVar:

NM_015910.7(WDPCP):c.880A>G (p.Lys294Glu)

Gene: WDPCP (WD repeat containing planar cell polarity effector; minus strand). Cytogenetic location: 2p15.
Variant type: single nucleotide variant.
Coding change: c.880A>G on transcript NM_015910.7 (MANE Select); coding-DNA position 880, A replaced by G.
Protein change: p.Lys294Glu; replaces lysine 294 with glutamic acid.
Molecular consequence: missense variant. On other transcripts: non-coding transcript variant (3).
Genome position (GRCh38, 1-based): chr2:63,404,603, T>C on the plus strand (A>G on the coding strand, the complement: WDPCP is on the minus strand). VCF-style: chr2-63404603-T-C. GRCh37 (hg19) VCF-style: chr2-63631738-T-C.
Other names: c.403A>G, p.Lys135Glu (NM_001042692.3); c.808A>G, p.Lys270Glu (NM_001354044.2); c.880A>G, p.Lys294Glu (NM_001354045.2); short protein forms K270E, K294E, K135E.
Identifiers: ClinVar variation 5002514 (VCV005002514.1).

ClinVar aggregate classification (germline): Uncertain significance (1 of 4 stars; one submission).

Conditions:
WDPCP-related disorder. Also called: WDPCP-related condition.

gnomAD v4.1: 1 of 1,614,138 alleles (0.000062%); highest among the groups gnomAD compares: African/African-American, 0.0013%; no homozygotes.

Submission:

PreventionGenetics, part of Exact Sciences
Classification: Uncertain significance for WDPCP-related condition. Last evaluated: 2026-05-06. Review status: criteria provided, single submitter. Criteria: ACMG Guidelines, 2015. Collection method: clinical testing. Allele origin: germline.
Comment: The WDPCP c.880A>G variant is predicted to result in the amino acid substitution p.Lys294Glu. To our knowledge, this variant has not been reported in the literature. This variant is reported in 0.0065% of alleles in individuals of African descent in gnomAD. At this time, the clinical significance of this variant is uncertain due to the absence of conclusive functional and genetic evidence.